The following is an entry in ClinVar:

NM_182493.3(MYLK3):c.1555G>A (p.Glu519Lys)

Gene: MYLK3 (myosin light chain kinase 3; minus strand). Cytogenetic location: 16q11.2.
Variant type: single nucleotide variant.
Coding change: c.1555G>A on transcript NM_182493.3 (MANE Select); coding-DNA position 1555, G replaced by A.
Protein change: p.Glu519Lys; replaces glutamic acid 519 with lysine.
Molecular consequence: missense variant.
Genome position (GRCh38, 1-based): chr16:46,730,606, C>T on the plus strand (G>A on the coding strand, the complement: MYLK3 is on the minus strand). VCF-style: chr16-46730606-C-T. GRCh37 (hg19) VCF-style: chr16-46764518-C-T.
Other names: c.532G>A, p.Glu178Lys (NM_001308301.1); short protein forms E519K, E178K.
Identifiers: ClinVar variation 1503358 (VCV001503358.8), dbSNP rs146348278, ClinGen allele CA8037945.

ClinVar aggregate classification (germline): Uncertain significance (1 of 4 stars; one submission).

Allele frequency attached by ClinVar (database versions not stated): gnomAD 0.00001; gnomAD exomes 0.00001; TOPMed 0.00001; ExAC 0.00002; ESP Exome Variant Server 0.00008.

Submission:

Labcorp Genetics (formerly Invitae), Labcorp
Classification: Uncertain significance. Last evaluated: 2023-12-06. Review status: criteria provided, single submitter. Criteria: Invitae Variant Classification Sherloc (09022015). Collection method: clinical testing. Allele origin: germline.
Comment: This sequence change replaces glutamic acid, which is acidic and polar, with lysine, which is basic and polar, at codon 519 of the MYLK3 protein (p.Glu519Lys). The frequency data for this variant in the population databases is considered unreliable, as metrics indicate poor data quality at this position in the gnomAD database. This variant has not been reported in the literature in individuals affected with MYLK3-related conditions. ClinVar contains an entry for this variant (Variation ID: 1503358). An algorithm developed to predict the effect of missense changes on protein structure and function (PolyPhen-2) suggests that this variant is likely to be disruptive. In summary, the available evidence is currently insufficient to determine the role of this variant in disease. Therefore, it has been classified as a Variant of Uncertain Significance.